The following is an entry in ClinVar:

ClinVar aggregate classification (germline): Pathogenic/Likely pathogenic. Review status: criteria provided, multiple submitters, no conflicts (2 of 4 stars). 5 submissions from 5 submitters: Pathogenic (2); Likely pathogenic (3). Last evaluated 2025-11-24.

Conditions:
AHI1-related disorder. Also called: AHI1-related condition.
Joubert syndrome 3 (JBTS3). Also called: AHI1-related Ciliopathy. Identifiers: Orphanet 220493, MedGen C1837713, MONDO:0012078, OMIM 608629.
Joubert syndrome. Also called: Familial aplasia of the vermis; JOUBERT-BOLTSHAUSER SYNDROME. Identifiers: Orphanet 475, MedGen C5979921, MONDO:0018772.

Allele frequency attached by ClinVar (database versions not stated): gnomAD exomes 0.00001 and 0.00004; gnomAD 0.00002 and 0.00003; ExAC 0.00003; TOPMed 0.00003.

Submissions (5):

Labcorp Genetics (formerly Invitae), Labcorp
Classification: Pathogenic for Joubert syndrome. Last evaluated: 2025-11-24. Review status: criteria provided, single submitter. Criteria: Invitae Variant Classification Sherloc (09022015). Collection method: clinical testing. Allele origin: germline.
Comment: This sequence change creates a premature translational stop signal (p.Glu178Glyfs*3) in the AHI1 gene. It is expected to result in an absent or disrupted protein product. Loss-of-function variants in AHI1 are known to be pathogenic (PMID: 15322546, 16453322, 28442542, 29186038). This variant is present in population databases (rs759593846, gnomAD 0.06%). This variant has not been reported in the literature in individuals affected with AHI1-related conditions. ClinVar contains an entry for this variant (Variation ID: 1458722). For these reasons, this variant has been classified as Pathogenic.

First Genomix Gene Laboratory, Genetic Diagnostics Department
Classification: Pathogenic for Joubert syndrome 3. Last evaluated: 2025-09-17. Review status: criteria provided, single submitter. Criteria: ACMG Guidelines, 2015. Collection method: clinical testing. Allele origin: germline. Inheritance: Autosomal recessive inheritance. Affected: no. Observed: 1 variant allele.

Blueprint Genetics
Classification: Likely pathogenic for AHI1-related disorders. Last evaluated: 2024-08-30. Review status: criteria provided, single submitter. Criteria: ACMG Guidelines, 2015. Collection method: clinical testing. Allele origin: germline. Affected: yes. Observed: 2 variant alleles.

Fulgent Genetics
Classification: Likely pathogenic for Joubert syndrome 3. Last evaluated: 2021-07-15. Review status: criteria provided, single submitter. Criteria: ACMG Guidelines, 2015. Collection method: clinical testing. Allele origin: unknown.

Juno Genomics, Hangzhou Juno Genomics, Inc
Classification: Likely pathogenic for Joubert syndrome 3. Review status: criteria provided, single submitter. Criteria: ACMG Guidelines, 2015. Collection method: clinical testing. Allele origin: germline. Affected: yes.
Comment: Absent from controls (or at extremely low frequency if recessive) in Genome Aggregation Database, Exome Sequencing Project, 1000 Genomes Project, or Exome Aggregation Consortium.;Null variant in a gene where loss of function (LOF) is a known mechanism of disease.

Literature cited by the submitters: PubMed 15322546 (cited by Labcorp Genetics (formerly Invitae), Labcorp); PubMed 16453322 (cited by Labcorp Genetics (formerly Invitae), Labcorp); PubMed 28442542 (cited by Labcorp Genetics (formerly Invitae), Labcorp); PubMed 29186038 (cited by Labcorp Genetics (formerly Invitae), Labcorp).

NM_001134831.2(AHI1):c.533_534del (p.Glu178fs)

Gene: AHI1 (Abelson helper integration site 1; minus strand). Cytogenetic location: 6q23.3.
Variant type: Deletion.
Coding change: c.533_534del on transcript NM_001134831.2 (MANE Select); coding-DNA positions 533 to 534, 2 bases deleted (AA; older notation c.533_534delAA).
Protein change: p.Glu178fs; shifts the reading frame from glutamic acid 178.
Molecular consequence: frameshift variant.
Genome position (GRCh38, 1-based): chr6:135,466,029-135,466,030, TT deleted on the plus strand (AA on the coding strand, the reverse complement: AHI1 is on the minus strand). VCF-style (leftmost placement, unchanged base first): chr6-135466028-CTT-C. GRCh37 (hg19) VCF-style: chr6-135787166-CTT-C.
Other names: c.533_534del, p.Glu178fs (NM_001134830.2, NM_001134832.2, NM_001350503.2 and 2 more transcripts); short protein forms E178fs.
Identifiers: ClinVar variation 1458722 (VCV001458722.10), dbSNP rs759593846, ClinGen allele CA4012813.